The following is an entry in ClinVar:

ClinVar aggregate classification (germline): Uncertain significance (1 of 4 stars; one submission).

Conditions:
Adams-Oliver syndrome 5 (AOS5). Identifiers: Orphanet 974, MedGen C4014970, MONDO:0014459, OMIM 616028.

Submission:

Labcorp Genetics (formerly Invitae), Labcorp
Classification: Uncertain significance for Adams-Oliver syndrome 5. Last evaluated: 2022-07-21. Review status: criteria provided, single submitter. Criteria: Invitae Variant Classification Sherloc (09022015). Collection method: clinical testing. Allele origin: germline.
Comment: In summary, the available evidence is currently insufficient to determine the role of this variant in disease. Therefore, it has been classified as a Variant of Uncertain Significance. Advanced modeling of protein sequence and biophysical properties (such as structural, functional, and spatial information, amino acid conservation, physicochemical variation, residue mobility, and thermodynamic stability) performed at Invitae indicates that this missense variant is not expected to disrupt NOTCH1 protein function. This variant has not been reported in the literature in individuals affected with NOTCH1-related conditions. This variant is not present in population databases (gnomAD no frequency). This sequence change replaces proline, which is neutral and non-polar, with threonine, which is neutral and polar, at codon 1443 of the NOTCH1 protein (p.Pro1443Thr).

NM_017617.5(NOTCH1):c.4327C>A (p.Pro1443Thr)

Gene: NOTCH1 (notch receptor 1; minus strand). Cytogenetic location: 9q34.3.
Variant type: single nucleotide variant.
Coding change: c.4327C>A on transcript NM_017617.5 (MANE Select); coding-DNA position 4327, C replaced by A.
Protein change: p.Pro1443Thr; replaces proline 1443 with threonine.
Molecular consequence: missense variant.
Genome position (GRCh38, 1-based): chr9:136,505,569, G>T on the plus strand (C>A on the coding strand, the complement: NOTCH1 is on the minus strand). VCF-style: chr9-136505569-G-T. GRCh37 (hg19) VCF-style: chr9-139400021-G-T.
Other names: short protein forms P1443T.
Identifiers: ClinVar variation 1720323 (VCV001720323.5), dbSNP rs2133339744, ClinGen allele CA375648216.